The following is an entry in ClinVar:

ClinVar aggregate classification (germline): Uncertain significance (3 of 4 stars; one submission).

Conditions:
Hereditary thrombocytopenia and hematologic cancer predisposition syndrome. Identifiers: Orphanet 71290, MedGen CN281654, MONDO:0011071.

Submission:

ClinGen Myeloid Malignancy Variant Curation Expert Panel
Classification: Uncertain significance for Hereditary thrombocytopenia and hematologic cancer predisposition syndrome. Last evaluated: 2025-05-02. Review status: reviewed by expert panel. Criteria: ClinGen MyeloMalig ACMG Specifications v2. Collection method: curation. Allele origin: germline. Inheritance: Autosomal dominant inheritance.
Comment: NM_001754.5(RUNX1):c.489T>A (p.Phe163Leu) is a missense variant which is completely absent from all population databases with at least 20x coverage for RUNX1 (PM2_Supporting). This variant has a SpliceAI score of 0.64 and a REVEL score of 0.914, supporting application of PP3. This missense variant is located within the Runt Homology Domain (AA 89–204), but does not occur in an established hotspot residue (PM1_Supporting). In summary, this variant meets criteria to be classified as a variant of uncertain significance. ACMG/AMP criteria applied, as specified by the Myeloid Malignancy Variant Curation Expert Panel for RUNX1: PM2_Supporting, PP3, PM1_Supporting.

NM_001754.5(RUNX1):c.489T>A (p.Phe163Leu)

Genes: RUNX1 (RUNX family transcription factor 1; minus strand), RUNX1-AS1 (RUNX1 antisense RNA 1; plus strand). Cytogenetic location: 21q22.12.
Variant type: single nucleotide variant.
Coding change: c.489T>A on transcript NM_001754.5 (MANE Select); coding-DNA position 489, T replaced by A.
Protein change: p.Phe163Leu; replaces phenylalanine 163 with leucine.
Molecular consequence: missense variant.
Genome position (GRCh38, 1-based): chr21:34,880,576, A>T on the plus strand (T>A on the coding strand, the complement: RUNX1 is on the minus strand). VCF-style: chr21-34880576-A-T. GRCh37 (hg19) VCF-style: chr21-36252873-A-T.
Other names: NM_001122607.2:c.408T>A; NM_001754.5(RUNX1):c.489T>A; p.Phe163Leu; c.408T>A, p.Phe136Leu (NM_001001890.3, NM_001122607.2); short protein forms F136L, F163L.
Identifiers: ClinVar variation 1695375 (VCV001695375.2), dbSNP rs763581932, ClinGen allele CA410202503.